The following is an entry in ClinVar:

NM_001367624.2(ZNF469):c.2242G>A (p.Ala748Thr)

Gene: ZNF469 (zinc finger protein 469; plus strand). Cytogenetic location: 16q24.2.
Variant type: single nucleotide variant.
Coding change: c.2242G>A on transcript NM_001367624.2 (MANE Select); coding-DNA position 2242, G replaced by A.
Protein change: p.Ala748Thr; replaces alanine 748 with threonine.
Molecular consequence: missense variant.
Genome position (GRCh38, 1-based): chr16:88,429,712, G>A. VCF-style: chr16-88429712-G-A. GRCh37 (hg19) VCF-style: chr16-88496120-G-A.
Other names: short protein forms A748T.
Identifiers: ClinVar variation 4689601 (VCV004689601.1).

ClinVar aggregate classification (germline): Uncertain significance (1 of 4 stars; one submission).

gnomAD v4.1: 5 of 1,542,934 alleles (0.00032%); highest among the groups gnomAD compares: African/African-American, 0.0027%; no homozygotes.

Submission:

Women's Health and Genetics/Laboratory Corporation of America, LabCorp
Classification: Uncertain significance. Last evaluated: 2026-01-06. Review status: criteria provided, single submitter. Criteria: LabCorp Variant Classification Summary - May 2015. Collection method: clinical testing. Allele origin: germline.
Comment: Variant summary: ZNF469 c.2242G>A (p.Ala748Thr) results in a non-conservative amino acid change located in the C2H2-type Zinc finger (IPR013087) of the encoded protein sequence. Algorithms developed to predict the effect of missense changes on protein structure and function are either unavailable or do not agree on the potential impact of this missense change. The variant allele was found at a frequency of 3.3e-06 in 1536034 control chromosomes (gnomAD). The available data on variant occurrences in the general population are insufficient to allow any conclusion about variant significance. To our knowledge, no occurrence of c.2242G>A in individuals affected with ZNF469-related conditions and no experimental evidence demonstrating its impact on protein function have been reported. No submitters have cited clinical-significance assessments for this variant to ClinVar. Based on the evidence outlined above, the variant was classified as uncertain significance.